The following is an entry in ClinVar:

ClinVar aggregate classification (germline): Conflicting classifications of pathogenicity. Review status: criteria provided, conflicting classifications (1 of 4 stars). 5 submissions from 5 submitters: Uncertain significance (4); Likely benign (1). Last evaluated 2026-08-10.

Conditions:
Hereditary cancer-predisposing syndrome. Also called: Neoplastic Syndromes, Hereditary; Tumor predisposition; Hereditary Cancer Syndrome; Hereditary neoplastic syndrome. Identifiers: Orphanet 140162, MedGen C0027672, MeSH D009386, MONDO:0015356.
Multiple endocrine neoplasia, type 2 (MEN2). Identifiers: Orphanet 653, MedGen C4048306, MONDO:0019003. Disease mechanism: gain of function.
Multiple endocrine neoplasia type 2B. Also called: MUCOSAL NEUROMA SYNDROME; Multiple endocrine neoplasia, type 3; MULTIPLE ENDOCRINE NEOPLASIA, TYPE IIB; MEN IIB; NEUROMATA, MUCOSAL, WITH ENDOCRINE TUMORS; WAGENMANN-FROBOESE SYNDROME. Identifiers: Orphanet 247709, Orphanet 653, MedGen C0025269, MeSH D018814, MONDO:0008082, OMIM 162300.
Pheochromocytoma. Also called: MAX-Related Hereditary Paraganglioma-Pheochromocytoma Syndrome. Identifiers: Orphanet 29072, MedGen C0031511, MONDO:0008233, OMIM 171300, HP:0002666.
Familial medullary thyroid carcinoma (MTC). Also called: Thyroid cancer, familial medullary; MTC, familial; Familial Medullary Thyroid Carcinoma (FMTC). Identifiers: Orphanet 653, Orphanet 99361, MedGen C1833921, MONDO:0007958, OMIM 155240.
Hirschsprung disease, susceptibility to, 1 (HSCR1). Also called: RET-Related Hirschsprung Disease. Identifiers: Orphanet 388, MedGen C3888239, MONDO:0007723, OMIM 142623.
Multiple endocrine neoplasia type 2A. Also called: MULTIPLE ENDOCRINE NEOPLASIA, TYPE IIA; PTC SYNDROME; SIPPLE SYNDROME; MEN 2A; MEN-2A syndrome; Pheochromocytoma and amyloid producing medullary thyroid carcinoma. Identifiers: Orphanet 247698, Orphanet 653, MedGen C0025268, MeSH D018813, MONDO:0008234, OMIM 171400.

Allele frequency attached by ClinVar (database versions not stated): ExAC 0.00001.
gnomAD v4.1: 13 of 1,599,280 alleles (0.00081%); highest among the groups gnomAD compares: Admixed American, 0.0017%; no homozygotes.

Submissions (5):

Ambry Genetics
Classification: Likely benign for Hereditary cancer-predisposing syndrome. Last evaluated: 2026-08-10. Review status: criteria provided, single submitter. Criteria: Ambry Variant Classification Scheme 2023. Collection method: clinical testing. Allele origin: germline.

Labcorp Genetics (formerly Invitae), Labcorp
Classification: Uncertain significance for Multiple endocrine neoplasia, type 2. Last evaluated: 2025-08-09. Review status: criteria provided, single submitter. Criteria: Invitae Variant Classification Sherloc (09022015). Collection method: clinical testing. Allele origin: germline.
Comment: This sequence change replaces methionine, which is neutral and non-polar, with leucine, which is neutral and non-polar, at codon 484 of the RET protein (p.Met484Leu). This variant is present in population databases (rs755660496, gnomAD 0.003%). This variant has not been reported in the literature in individuals affected with RET-related conditions. ClinVar contains an entry for this variant (Variation ID: 1063711). An algorithm developed to predict the effect of missense changes on protein structure and function outputs the following: PolyPhen-2: "Benign". The leucine amino acid residue is found in multiple mammalian species, which suggests that this missense change does not adversely affect protein function. In summary, the available evidence is currently insufficient to determine the role of this variant in disease. Therefore, it has been classified as a Variant of Uncertain Significance.

Color Diagnostics, LLC DBA Color Health
Classification: Uncertain significance for Multiple endocrine neoplasia, type 2. Last evaluated: 2025-07-14. Review status: criteria provided, single submitter. Criteria: ACMG Guidelines, 2015. Collection method: clinical testing. Allele origin: germline.
Comment: This missense variant replaces methionine with leucine at codon 484 of the RET protein. Computational prediction suggests that this variant may not impact protein structure and function. To our knowledge, functional studies have not been reported for this variant. This variant has not been reported in individuals affected with RET-related disorders in the literature. This variant has been identified in 2/251234 chromosomes in the general population by the Genome Aggregation Database (gnomAD). The available evidence is insufficient to determine the role of this variant in disease conclusively. Therefore, this variant is classified as a Variant of Uncertain Significance.

Fulgent Genetics
Classification: Uncertain significance for Hirschsprung disease, susceptibility to, 1; Familial medullary thyroid carcinoma; Multiple endocrine neoplasia type 2B; Pheochromocytoma; Multiple endocrine neoplasia type 2A. Last evaluated: 2024-03-19. Review status: criteria provided, single submitter. Criteria: ACMG Guidelines, 2015. Collection method: clinical testing. Allele origin: germline.

All of Us Research Program, National Institutes of Health
Classification: Uncertain significance for Multiple endocrine neoplasia, type 2. Last evaluated: 2024-01-11. Review status: criteria provided, single submitter. Criteria: ACMG Guidelines, 2015. Collection method: clinical testing. Allele origin: germline. Inheritance: Autosomal dominant inheritance. Observed: 2 variant alleles, 2 heterozygotes.
Comment: This missense variant replaces methionine with leucine at codon 484 of the RET protein. Computational prediction suggests that this variant may not impact protein structure and function (internally defined REVEL score threshold <= 0.5, PMID: 27666373). To our knowledge, functional studies have not been reported for this variant. This variant has not been reported in individuals affected with hereditary cancer in the literature. This variant has been identified in 2/251234 chromosomes in the general population by the Genome Aggregation Database (gnomAD). The available evidence is insufficient to determine the role of this variant in disease conclusively. Therefore, this variant is classified as a Variant of Uncertain Significance.

This study involves interpretation of variants in research participants for the purpose of population health screening. Participant phenotype was not available at the time of variant classification. Additional details can be found in publication PMID: 35346344, PMCID: PMC8962531

NM_020975.6(RET):c.1450A>T (p.Met484Leu)

Gene: RET (ret proto-oncogene; plus strand). Cytogenetic location: 10q11.21.
Variant type: single nucleotide variant.
Coding change: c.1450A>T on transcript NM_020975.6 (MANE Select); coding-DNA position 1450, A replaced by T.
Protein change: p.Met484Leu; replaces methionine 484 with leucine.
Molecular consequence: missense variant.
Genome position (GRCh38, 1-based): chr10:43,111,393, A>T. VCF-style: chr10-43111393-A-T. GRCh37 (hg19) VCF-style: chr10-43606841-A-T.
Other names: c.1450A>T, p.Met484Leu (NM_000323.2, NM_001406743.1, NM_001406744.1 and 6 more transcripts); c.688A>T, p.Met230Leu (NM_001355216.2); c.1321A>T, p.Met441Leu (NM_001406761.1, NM_001406762.1, NM_001406764.1 and 1 more transcripts); c.1162A>T, p.Met388Leu (NM_001406766.1, NM_001406767.1, NM_001406770.1); c.1054A>T, p.Met352Leu (NM_001406769.1, NM_001406772.1); c.1012A>T, p.Met338Leu (NM_001406771.1, NM_001406773.1); c.925A>T, p.Met309Leu (NM_001406774.1); c.724A>T, p.Met242Leu (NM_001406775.1, NM_001406776.1, NM_001406777.1 and 1 more transcripts); and 1 more; short protein forms M230L, M484L, M242L, M441L, M154L, M352L, M388L, M309L.
Identifiers: ClinVar variation 1063711 (VCV001063711.11), dbSNP rs755660496, ClinGen allele CA033695.
Genomic context (GRCh38, chr10:43,111,393, plus strand): 5'-ATCCTGTTTGTGAATGACACCAAGGCCCTGCGGCGGCCCAAGTGTGCCGAACTTCACTAC[A>T]TGGTGGTGGCCACCGACCAGCAGACCTCTAGGCAGGCCCAGGCCCAGCTGCTTGTAACAG-3'
Protein context (NP_066124.1, residues 474-494): RRPKCAELHY[Met484Leu]VVATDQQTSR